The following is an entry in ClinVar:

ClinVar aggregate classification (germline): Uncertain significance (1 of 4 stars; one submission).

Conditions:
Cardiovascular phenotype. Identifiers: MedGen CN230736.

Submission:

Molecular Diagnostic Laboratory for Inherited Cardiovascular Disease, Montreal Heart Institute
Classification: Uncertain significance for Cardiovascular phenotype. Last evaluated: 2026-03-27. Review status: criteria provided, single submitter. Criteria: ACMG Guidelines, 2015. Collection method: clinical testing. Allele origin: germline. Affected: yes.
Comment: PVS1_mod, PM2

NM_000256.3(MYBPC3):c.1337A>G (p.Glu446Gly)

Gene: MYBPC3 (myosin binding protein C3; minus strand). Cytogenetic location: 11p11.2.
Variant type: single nucleotide variant.
Coding change: c.1337A>G on transcript NM_000256.3 (MANE Select); coding-DNA position 1337, A replaced by G.
Protein change: p.Glu446Gly; replaces glutamic acid 446 with glycine.
Molecular consequence: missense variant.
Genome position (GRCh38, 1-based): chr11:47,343,035, T>C on the plus strand (A>G on the coding strand, the complement: MYBPC3 is on the minus strand). VCF-style: chr11-47343035-T-C. GRCh37 (hg19) VCF-style: chr11-47364586-T-C.
Other names: short protein forms E446G.
Identifiers: ClinVar variation 4820428 (VCV004820428.1).
Genomic context (GRCh38, chr11:47,343,035, plus strand): 5'-GGCCATCTCCTCCCCAGGTTCCCACATCCTCAGGTCCCAGGCCCACCTTTCACAAAGAGC[T>C]CCGTGCTACACTTCTCGCCACCCACCACGCACTGGTAGGCTGCGTCGTCCGCCAATGAGC-3'
Protein context (NP_000247.2, residues 436-456): CVVGGEKCST[Glu446Gly]LFVKEPPVLI